The following is an entry in ClinVar:

NM_001291088.2(WDR87):c.6901G>A (p.Glu2301Lys)

Gene: WDR87 (WD repeat domain 87; minus strand). Cytogenetic location: 19q13.13.
Variant type: single nucleotide variant.
Coding change: c.6901G>A on transcript NM_001291088.2 (MANE Select); coding-DNA position 6901, G replaced by A.
Protein change: p.Glu2301Lys; replaces glutamic acid 2301 with lysine.
Molecular consequence: missense variant.
Genome position (GRCh38, 1-based): chr19:37,886,770, C>T on the plus strand (G>A on the coding strand, the complement: WDR87 is on the minus strand). VCF-style: chr19-37886770-C-T. GRCh37 (hg19) VCF-style: chr19-38377410-C-T.
Other names: c.6784G>A, p.Glu2262Lys (NM_031951.5); short protein forms E2262K, E2301K.
Identifiers: ClinVar variation 1317787 (VCV001317787.10), dbSNP rs565818371, ClinGen allele CA9408471.

ClinVar aggregate classification (germline): Benign/Likely benign. Review status: criteria provided, multiple submitters, no conflicts (2 of 4 stars). 3 submissions from 3 submitters: Benign (1); Likely benign (2). Last evaluated 2025-11-10.

Allele frequency attached by ClinVar (database versions not stated): gnomAD exomes 0.00050 and 0.00110; ExAC 0.00188; gnomAD 0.00545 and 0.00576; TOPMed 0.00577; 1000 Genomes Project 0.00719.

Submissions (3):

Labcorp Genetics (formerly Invitae), Labcorp
Classification: Benign. Last evaluated: 2025-11-10. Review status: criteria provided, single submitter. Criteria: Invitae Variant Classification Sherloc (09022015). Collection method: clinical testing. Allele origin: germline.

GeneDx
Classification: Likely benign. Last evaluated: 2024-11-19. Review status: criteria provided, single submitter. Criteria: GeneDx Variant Classification Process June 2021. Collection method: clinical testing. Allele origin: germline. Affected: yes.
Comment: See Variant Classification Assertion Criteria.

Breakthrough Genomics
Classification: Likely benign. Review status: criteria provided, single submitter. Criteria: ACMG Guidelines, 2015. Collection method: not provided. Allele origin: germline. Inheritance: Unknown mechanism. Affected: yes.